The following is an entry in ClinVar:

ClinVar aggregate classification (germline): Uncertain significance (1 of 4 stars; one submission).

Conditions:
Gastrointestinal stromal tumor. Also called: Gastrointestinal stromal tumor, somatic; Gastrointestinal stroma tumor. Identifiers: Orphanet 44890, MedGen C0238198, MeSH D046152, MONDO:0011719, OMIM 606764, HP:0100723.

Submission:

Labcorp Genetics (formerly Invitae), Labcorp
Classification: Uncertain significance for Gastrointestinal stromal tumor. Last evaluated: 2020-07-31. Review status: criteria provided, single submitter. Criteria: Invitae Variant Classification Sherloc (09022015). Collection method: clinical testing. Allele origin: germline.
Comment: This variant has not been reported in the literature in individuals with KIT-related conditions. Experimental studies and prediction algorithms are not available or were not evaluated, and the functional significance of this variant is currently unknown. In summary, the available evidence is currently insufficient to determine the role of this variant in disease. Therefore, it has been classified as a Variant of Uncertain Significance. This variant is not present in population databases (ExAC no frequency). This sequence change results in a premature translational stop signal in the KIT gene (p.Ser931Alafs*9). While this is not anticipated to result in nonsense mediated decay, it is expected to disrupt the last 46 amino acids of the KIT protein.

NM_000222.3(KIT):c.2791del (p.Ser931fs)

Gene: KIT (KIT proto-oncogene, receptor tyrosine kinase; plus strand). Cytogenetic location: 4q12.
Variant type: Deletion.
Coding change: c.2791del on transcript NM_000222.3 (MANE Select); coding-DNA position 2791, one base deleted (A; older notation c.2791delA).
Protein change: p.Ser931fs; shifts the reading frame from serine 931.
Molecular consequence: frameshift variant.
Genome position (GRCh38, 1-based): chr4:54,737,269, A deleted. VCF-style (leftmost placement, unchanged base first): chr4-54737268-GA-G. GRCh37 (hg19) VCF-style: chr4-55603434-GA-G.
Other names: c.2779del, p.Ser927fs (NM_001093772.2, NM_001385292.1); c.2794del, p.Ser932fs (NM_001385284.1); c.2788del, p.Ser930fs (NM_001385285.1); c.2776del, p.Ser926fs (NM_001385286.1); c.2782del, p.Ser928fs (NM_001385288.1); c.2791del, p.Ser931fs (NM_001385290.1); short protein forms S926fs, S927fs, S928fs, S930fs, S931fs, S932fs.
Identifiers: ClinVar variation 1001189 (VCV001001189.7), dbSNP rs1722974200, ClinGen allele CA1458748050.